The following is an entry in ClinVar:

ClinVar aggregate classification (germline): Likely benign (1 of 4 stars; one submission).

Allele frequency attached by ClinVar (database versions not stated): ExAC 0.00001; gnomAD 0.00001; 1000 Genomes Project 0.00020; 1000 Genomes Project 30x 0.00031.
gnomAD v4.1: 9 of 1,614,198 alleles (0.00056%); highest among the groups gnomAD compares: South Asian, 0.0099%; no homozygotes.

Submission:

CeGaT Center for Human Genetics Tuebingen
Classification: Likely benign. Last evaluated: 2024-01-01. Review status: criteria provided, single submitter. Criteria: CeGaT Center For Human Genetics Tuebingen Variant Classification Criteria Version 2. Collection method: clinical testing. Allele origin: germline. Affected: yes. Observed: 1 variant allele.
Comment: CEP85L: BP4

NM_001042475.3(CEP85L):c.837G>A (p.Met279Ile)

Gene: CEP85L (centrosomal protein 85L; minus strand). Cytogenetic location: 6q22.31.
Variant type: single nucleotide variant.
Coding change: c.837G>A on transcript NM_001042475.3 (MANE Select); coding-DNA position 837, G replaced by A.
Protein change: p.Met279Ile; replaces methionine 279 with isoleucine.
Molecular consequence: missense variant.
Genome position (GRCh38, 1-based): chr6:118,565,712, C>T on the plus strand (G>A on the coding strand, the complement: CEP85L is on the minus strand). VCF-style: chr6-118565712-C-T. GRCh37 (hg19) VCF-style: chr6-118886875-C-T.
Other names: c.846G>A, p.Met282Ile (NM_001178035.2); c.837G>A, p.Met279Ile (NM_206921.3); short protein forms M279I, M282I.
Identifiers: ClinVar variation 3026135 (VCV003026135.22), dbSNP rs538687244, ClinGen allele CA3978026.
Genomic context (GRCh38, chr6:118,565,712, plus strand): 5'-CCACATCTGAGTCCTTACGGAAGGCTGAATGGGAACTCCACCTACTGCCTGTTGACCAAG[C>T]ATTAAATATTTTGGAGGTTCAAAAGCCTCTGAGCTTGTCATAATGGGCTTGCTTTCAGGT-3'
Protein context (NP_001035940.1, residues 269-289): SEAFEPPKYL[Met279Ile]LGQQAVGGVP